The following is an entry in ClinVar:

ClinVar aggregate classification (germline): Pathogenic (1 of 4 stars; one submission).

Conditions:
Hypertrophic cardiomyopathy 26. Also called: Cardiomyopathy, familial hypertrophic, 26. Identifiers: Orphanet 75249, MedGen C4310749, MONDO:0014883, OMIM 617047.
Myofibrillar myopathy 5. Also called: Filaminopathy (type); FILAMINOPATHY, AUTOSOMAL DOMINANT. Identifiers: Orphanet 171445, MedGen C1836050, MONDO:0012289, OMIM 609524.
Distal myopathy with posterior leg and anterior hand involvement. Also called: WILLIAMS DISTAL MYOPATHY. Identifiers: Orphanet 63273, MedGen C3279722, MONDO:0013550, OMIM 614065.

Submission:

Labcorp Genetics (formerly Invitae), Labcorp
Classification: Pathogenic for Distal myopathy with posterior leg and anterior hand involvement; Myofibrillar myopathy 5; Hypertrophic cardiomyopathy 26. Last evaluated: 2025-07-09. Review status: criteria provided, single submitter. Criteria: Invitae Variant Classification Sherloc (09022015). Collection method: clinical testing. Allele origin: germline.
Comment: This sequence change creates a premature translational stop signal (p.Glu2382Glyfs*42) in the FLNC gene. It is expected to result in an absent or disrupted protein product. Loss-of-function variants in FLNC are known to be pathogenic (PMID: 27908349). This variant is not present in population databases (gnomAD no frequency). This variant has not been reported in the literature in individuals affected with FLNC-related conditions. For these reasons, this variant has been classified as Pathogenic.

Literature cited by the submitters: PubMed 27908349.

NM_001458.5(FLNC):c.7145del (p.Glu2382fs)

Genes: FLNC-AS1 (FLNC antisense RNA 1; minus strand), FLNC (filamin C; plus strand). Cytogenetic location: 7q32.1.
Variant type: Deletion.
Coding change: c.7145del on transcript NM_001458.5 (MANE Select); coding-DNA position 7145, one base deleted (A; older notation c.7145delA).
Protein change: p.Glu2382fs; shifts the reading frame from glutamic acid 2382.
Molecular consequence: frameshift variant.
Genome position (GRCh38, 1-based): chr7:128,855,208, A deleted. VCF-style (leftmost placement, unchanged base first): chr7-128855207-GA-G. GRCh37 (hg19) VCF-style: chr7-128495261-GA-G.
Other names: c.7046del, p.Glu2349fs (NM_001127487.2); short protein forms E2349fs, E2382fs.
Identifiers: ClinVar variation 4812510 (VCV004812510.1).